The following is an entry in ClinVar:

NM_022437.3(ABCG8):c.1124A>C (p.Glu375Ala)

Gene: ABCG8 (ATP binding cassette subfamily G member 8; plus strand). Cytogenetic location: 2p21.
Variant type: single nucleotide variant.
Coding change: c.1124A>C on transcript NM_022437.3 (MANE Select); coding-DNA position 1124, A replaced by C.
Protein change: p.Glu375Ala; replaces glutamic acid 375 with alanine.
Molecular consequence: missense variant.
Genome position (GRCh38, 1-based): chr2:43,872,135, A>C. VCF-style: chr2-43872135-A-C. GRCh37 (hg19) VCF-style: chr2-44099274-A-C.
Other names: c.1124A>C, p.Glu375Ala (NM_001357321.2); short protein forms E375A.
Identifiers: ClinVar variation 1798598 (VCV001798598.3), dbSNP rs1457685690, ClinGen allele CA346669030.

ClinVar aggregate classification (germline): Uncertain significance (1 of 4 stars; one submission).

Conditions:
Cardiovascular phenotype. Identifiers: MedGen CN230736.

Allele frequency attached by ClinVar (database versions not stated): TOPMed 0.00001; gnomAD exomes below 0.00001.
gnomAD v4.1: 6 of 1,614,110 alleles (0.00037%); highest among the groups gnomAD compares: Non-Finnish European, 0.00051%; no homozygotes.

Submission:

Ambry Genetics
Classification: Uncertain significance for Cardiovascular phenotype. Last evaluated: 2025-05-26. Review status: criteria provided, single submitter. Criteria: Ambry Variant Classification Scheme 2023. Collection method: clinical testing. Allele origin: germline.
Comment: The p.E375A variant (also known as c.1124A>C), located in coding exon 7 of the ABCG8 gene, results from an A to C substitution at nucleotide position 1124. The glutamic acid at codon 375 is replaced by alanine, an amino acid with dissimilar properties. This amino acid position is conserved. In addition, this alteration is predicted to be tolerated by in silico analysis. Since supporting evidence is limited at this time, the clinical significance of this alteration remains unclear.